The following is an entry in ClinVar:

ClinVar aggregate classification (germline): Conflicting classifications of pathogenicity. Review status: criteria provided, conflicting classifications (1 of 4 stars). 8 submissions from 8 submitters: Pathogenic (4); Likely pathogenic (2); Uncertain significance (1). 1 of the submissions does not count toward it. Last evaluated 2025-05-28.

Conditions:
TMEM67-related disorder. Also called: TMEM67-related disorders; TMEM67-related condition. Identifiers: MedGen CN239423.
Meckel syndrome, type 3 (MKS3). Also called: MECKEL-GRUBER SYNDROME, TYPE 3. Identifiers: Orphanet 564, MedGen C1846357, MONDO:0011821, OMIM 607361.
RHYNS syndrome. Also called: RETINITIS PIGMENTOSA SYNDROME; RETINITIS PIGMENTOSA, HYPOPITUITARISM, NEPHRONOPHTHISIS, AND MILD SKELETAL DYSPLASIA. Identifiers: Orphanet 140976, MedGen C1865794, MONDO:0011202, OMIM 602152.
COACH syndrome 1. Identifiers: Orphanet 1454, MedGen C5435651, MONDO:0800103, OMIM 216360, MONDO:0008996.
Nephronophthisis 11 (NPHP11). Identifiers: Orphanet 84081, MedGen C3150796, MONDO:0013302, OMIM 613550.
Bardet-Biedl syndrome 14 (BBS14). Identifiers: Orphanet 110, MedGen C2673874, MONDO:0014442, OMIM 615991.
Joubert syndrome 6 (JBTS6). Identifiers: Orphanet 475, MedGen C1853153, MONDO:0012539, OMIM 610688.
Meckel-Gruber syndrome. Also called: DYSENCEPHALIA SPLANCHNOCYSTICA; GRUBER SYNDROME; Dysencephalia splachnocystica. Identifiers: Orphanet 564, MedGen C0265215, MONDO:0018921.
Joubert syndrome. Also called: Familial aplasia of the vermis; JOUBERT-BOLTSHAUSER SYNDROME. Identifiers: Orphanet 475, MedGen C5979921, MONDO:0018772.

Allele frequency attached by ClinVar (database versions not stated): gnomAD 0.00001; ExAC 0.00002; TOPMed 0.00002; gnomAD exomes 0.00003 and 0.00004; ESP Exome Variant Server 0.00008.

Submissions (8):

Labcorp Genetics (formerly Invitae), Labcorp
Classification: Pathogenic for Joubert syndrome; Meckel-Gruber syndrome. Last evaluated: 2025-05-28. Review status: criteria provided, single submitter. Criteria: Invitae Variant Classification Sherloc (09022015). Collection method: clinical testing. Allele origin: germline.
Comment: This sequence change falls in intron 22 of the TMEM67 gene. It does not directly change the encoded amino acid sequence of the TMEM67 protein. It affects a nucleotide within the consensus splice site. This variant is present in population databases (rs781071815, gnomAD 0.006%). This variant has been observed in individual(s) with Joubert syndrome and related disorders (PMID: 20232449, 26092869, 28497568). In at least one individual the data is consistent with being in trans (on the opposite chromosome) from a pathogenic variant. This variant is also known as c.2322+2dupT. ClinVar contains an entry for this variant (Variation ID: 56773). Variants that disrupt the consensus splice site are a relatively common cause of aberrant splicing (PMID: 17576681, 9536098). Algorithms developed to predict the effect of sequence changes on RNA splicing suggest that this variant may disrupt the consensus splice site. For these reasons, this variant has been classified as Pathogenic.

Fulgent Genetics
Classification: Pathogenic for COACH syndrome 1; RHYNS syndrome; Meckel syndrome, type 3; Joubert syndrome 6; Nephronophthisis 11; Bardet-Biedl syndrome 14. Last evaluated: 2024-03-25. Review status: criteria provided, single submitter. Criteria: ACMG Guidelines, 2015. Collection method: clinical testing. Allele origin: germline.

Pittsburgh Clinical Genomics Laboratory, University of Pittsburgh Medical Center
Classification: Likely pathogenic for COACH syndrome 1. Last evaluated: 2023-07-28. Review status: criteria provided, single submitter. Criteria: ACMG Guidelines, 2015. Collection method: clinical testing. Allele origin: germline. Inheritance: Autosomal recessive inheritance. Affected: yes.
Comment: This sequence variant is a single nucleotide duplication (dupT) at the +2 position of the intron 22 canonical splice donor site of the TMEM67 gene. This variant is predicted to generate a non-functiol allele through either the expression of a truncated protein or a loss of TMEM67 expression due to nonsense mediated decay. This is a previously reported variant (ClinVar 56773). Aside from literature reports on the proband (PMID: 19574260, 28125082), this variant has additiolly been observed in trans with a second TMEM67 variant in multiple individuals affected by Joubert syndrome, Meckel syndrome, or other TMEM67-related disorders (PMID: 28497568, 26092869, 20232449); in one individual with suspected monogenic kidney disease, it was unclear if a second TMEM67 variant was present (PMID: 32939031). This variant is present in 8 of 282484 alleles (0.0028%) in the gnomAD population dataset. In a lymphoblastoid cell line derived from the proband which presumably carried the variant, splicing of exon 22 was not affected (PMID: 19574260). Based upon the evidence, we consider this variant to be likely pathogenic. ACMG Criteria: PM2, PS4, PVS1

Blueprint Genetics
Classification: Pathogenic for TMEM67-related disorders. Last evaluated: 2021-07-28. Review status: criteria provided, single submitter. Criteria: ACMG Guidelines, 2015. Collection method: clinical testing. Allele origin: germline. Affected: yes. Observed: 3 variant alleles.

Victorian Clinical Genetics Services, Murdoch Childrens Research Institute
Classification: Pathogenic for Joubert syndrome 6. Last evaluated: 2019-02-10. Review status: criteria provided, single submitter. Criteria: ACMG Guidelines, 2015. Collection method: clinical testing. Allele origin: unknown. Affected: yes.
Comment: A heterozygous canonical splice site variant, NM_153704.5(TMEM67):c.2322+2dupT, has been identified in intron 22 of 27 of the TMEM67 gene. The conservation of this nucleotide was very high (UCSC, Phylop), and in silico tools consistently predict this variant to affect splicing (Human splicing Finder, Fruit fly, Netgene2). This duplication variant may result in a truncated protein; further testing via RNA studies are required to confirm if splicing is altered. The variant is present in the gnomAD database at a frequency of 0.00283% (8 heterozygotes, 0 homozygotes). The variant has been previously described as both a VUS and pathogenic in patients with Joubert syndrome (ClinVar). Based on current information, this variant has been classified as PATHOGENIC. NB: This variant has been reclassified as PATHOGENIC due to confirmation of a pathogenic variant in trans.

UW Hindbrain Malformation Research Program, University of Washington
Classification: Likely pathogenic for Joubert syndrome 6. Last evaluated: 2015-02-23. Review status: criteria provided, single submitter. Criteria: Bachmann-Gagescu et al. (J Med Genet. 2015). Collection method: research. Allele origin: unknown. Affected: yes.

Eurofins Ntd Llc (ga)
Classification: Uncertain significance. Last evaluated: 2014-12-10. Review status: criteria provided, single submitter. Criteria: EGL Classification Definitions. Collection method: clinical testing. Allele origin: germline. Observed: 1 variant allele, 1 heterozygote.

Juha Muilu Group; Institute for Molecular Medicine Finland (FIMM)
Classification: Likely pathogenic for Meckel syndrome type 3. Review status: no assertion criteria provided. Collection method: not provided. Allele origin: unknown. Not counted in ClinVar's aggregate classification.
Comment: FinDis database variant: This variant was not found or characterized by our laboratory, data were collected from public sources: see reference
ClinVar note: Converted during submission from probable-pathogenic to Likely pathogenic.

Literature cited by the submitters: PubMed 20232449 (cited by 3 submitters); PubMed 26092869 (cited by Labcorp Genetics (formerly Invitae), Labcorp and Pittsburgh Clinical Genomics Laboratory, University of Pittsburgh Medical Center); PubMed 28497568 (cited by Labcorp Genetics (formerly Invitae), Labcorp and Pittsburgh Clinical Genomics Laboratory, University of Pittsburgh Medical Center); PubMed 17576681 (cited by Labcorp Genetics (formerly Invitae), Labcorp); PubMed 9536098 (cited by Labcorp Genetics (formerly Invitae), Labcorp); PubMed 28125082 (cited by Pittsburgh Clinical Genomics Laboratory, University of Pittsburgh Medical Center); PubMed 32939031 (cited by Pittsburgh Clinical Genomics Laboratory, University of Pittsburgh Medical Center); PubMed 19574260 (cited by Pittsburgh Clinical Genomics Laboratory, University of Pittsburgh Medical Center).

NM_153704.6(TMEM67):c.2322+2dup

Gene: TMEM67 (transmembrane protein 67; plus strand). Cytogenetic location: 8q22.1.
Variant type: Duplication.
Coding change: c.2322+2dup on transcript NM_153704.6 (MANE Select); the canonical splice donor site of the intron after coding-DNA position 2322, one base duplicated (T; older notation c.2322+2dupT).
Molecular consequence: splice donor variant.
Genome position (GRCh38, 1-based): chr8:93,803,686, T duplicated. VCF-style (leftmost placement, unchanged base first): chr8-93803685-G-GT. GRCh37 (hg19) VCF-style: chr8-94815913-G-GT.
Other names: c.2322+2dupT (NM_153704.5); c.2079+2dup (NM_001142301.1).
Identifiers: ClinVar variation 56773 (VCV000056773.19), dbSNP rs386834192, ClinGen allele CA210586.
Genomic context (GRCh38, chr8:93,803,685, plus strand): 5'-TATGAGAGATTTATAGAAGATAAAATTCGACAGTTCGTTGATTTATGCTCTATGAGTAAT[G>GT]TAAGTACTTTCTGACTTCATCTTGCAACTGTTACTTTCCCTTTTTAAAGGTCATGAGTTT-3'